The following is an entry in ClinVar:

ClinVar aggregate classification (germline): Uncertain significance (1 of 4 stars; one submission).

Conditions:
Neonatal encephalomyopathy-cardiomyopathy-respiratory distress syndrome. Also called: Coenzyme Q10 deficiency, primary, 7. Identifiers: Orphanet 457185, MedGen C5568562, MONDO:0014562, OMIM 616276.

Submission:

Labcorp Genetics (formerly Invitae), Labcorp
Classification: Uncertain significance for Neonatal encephalomyopathy-cardiomyopathy-respiratory distress syndrome. Last evaluated: 2022-07-05. Review status: criteria provided, single submitter. Criteria: Invitae Variant Classification Sherloc (09022015). Collection method: clinical testing. Allele origin: germline.
Comment: In summary, the available evidence is currently insufficient to determine the role of this variant in disease. Therefore, it has been classified as a Variant of Uncertain Significance. Algorithms developed to predict the effect of missense changes on protein structure and function (SIFT, PolyPhen-2, Align-GVGD) all suggest that this variant is likely to be tolerated. ClinVar contains an entry for this variant (Variation ID: 1395835). This variant has not been reported in the literature in individuals affected with COQ4-related conditions. This variant is not present in population databases (gnomAD no frequency). This sequence change replaces valine, which is neutral and non-polar, with leucine, which is neutral and non-polar, at codon 133 of the COQ4 protein (p.Val133Leu).

NM_016035.5(COQ4):c.397G>T (p.Val133Leu)

Gene: COQ4 (coenzyme Q4; plus strand). Cytogenetic location: 9q34.11.
Variant type: single nucleotide variant.
Coding change: c.397G>T on transcript NM_016035.5 (MANE Select); coding-DNA position 397, G replaced by T.
Protein change: p.Val133Leu; replaces valine 133 with leucine.
Molecular consequence: missense variant.
Genome position (GRCh38, 1-based): chr9:128,325,876, G>T. VCF-style: chr9-128325876-G-T. GRCh37 (hg19) VCF-style: chr9-131088155-G-T.
Other names: c.300G>T, p.Met100Ile (NM_001305942.2); short protein forms M100I, V133L.
Identifiers: ClinVar variation 1395835 (VCV001395835.6), dbSNP rs1272648378, ClinGen allele CA375021622.